The following is an entry in ClinVar:

NM_001005373.4(LRSAM1):c.1941C>T (p.Val647=)

Gene: LRSAM1 (leucine rich repeat and sterile alpha motif containing 1; plus strand). Cytogenetic location: 9q34.11.
Variant type: single nucleotide variant.
Coding change: c.1941C>T on transcript NM_001005373.4 (MANE Select); coding-DNA position 1941, C replaced by T.
Protein change: p.Val647=; no amino-acid change (valine 647 retained).
Molecular consequence: synonymous variant. On other transcripts: non-coding transcript variant (2).
Genome position (GRCh38, 1-based): chr9:127,501,038, C>T. VCF-style: chr9-127501038-C-T. GRCh37 (hg19) VCF-style: chr9-130263317-C-T.
Other names: c.1941C>T, p.Val647= (NM_001005374.4, NM_001384142.1, NM_138361.5); c.1860C>T, p.Val620= (NM_001190723.3); c.1842C>T, p.Val614= (NM_001384143.1); c.1152C>T, p.Val384= (NM_001384144.1); c.1941C>T (NM_138361.4).
Identifiers: ClinVar variation 472797 (VCV000472797.10), dbSNP rs1000632610, ClinGen allele CA199852960.

ClinVar aggregate classification (germline): Likely benign. Review status: criteria provided, multiple submitters, no conflicts (2 of 4 stars). 3 submissions from 3 submitters: Likely benign (3). Last evaluated 2021-04-10.

Conditions:
Inborn genetic diseases. Identifiers: MedGen C0950123, MeSH D030342.
Charcot-Marie-Tooth disease axonal type 2P. Also called: Charcot-Marie-Tooth Neuropathy Type 2G; CHARCOT-MARIE-TOOTH DISEASE, AXONAL, TYPE 2G; CMT 2G; CHARCOT-MARIE-TOOTH NEUROPATHY, TYPE 2P. Identifiers: Orphanet 300319, Orphanet 99941, MedGen C3280797, MONDO:0013753, OMIM 614436.

Allele frequency attached by ClinVar (database versions not stated): gnomAD exomes below 0.00001; TOPMed 0.00002.
gnomAD v4.1: 4 of 1,614,032 alleles (0.00025%); highest among the groups gnomAD compares: Admixed American, 0.0017%; no homozygotes.

Submissions (3):

Labcorp Genetics (formerly Invitae), Labcorp
Classification: Likely benign for Charcot-Marie-Tooth disease axonal type 2P. Last evaluated: 2021-04-10. Review status: criteria provided, single submitter. Criteria: Invitae Variant Classification Sherloc (09022015). Collection method: clinical testing. Allele origin: germline.

Ambry Genetics
Classification: Likely benign for Inborn genetic diseases. Last evaluated: 2019-07-11. Review status: criteria provided, single submitter. Criteria: Ambry Variant Classification Scheme 2023. Collection method: clinical testing. Allele origin: germline.

GeneDx
Classification: Likely benign. Last evaluated: 2017-09-05. Review status: criteria provided, single submitter. Criteria: GeneDx Variant Classification (06012015). Collection method: clinical testing. Allele origin: germline. Affected: yes.
Comment: This variant is considered likely benign or benign based on one or more of the following criteria: it is a conservative change, it occurs at a poorly conserved position in the protein, it is predicted to be benign by multiple in silico algorithms, and/or has population frequency not consistent with disease.